The following is an entry in ClinVar:

NM_001042492.3(NF1):c.4737T>A (p.His1579Gln)

Gene: NF1 (neurofibromin 1; plus strand). Cytogenetic location: 17q11.2.
Variant type: single nucleotide variant.
Coding change: c.4737T>A on transcript NM_001042492.3 (MANE Select); coding-DNA position 4737, T replaced by A.
Protein change: p.His1579Gln; replaces histidine 1579 with glutamine.
Molecular consequence: missense variant.
Genome position (GRCh38, 1-based): chr17:31,265,241, T>A. VCF-style: chr17-31265241-T-A. GRCh37 (hg19) VCF-style: chr17-29592259-T-A.
Other names: c.4674T>A, p.His1558Gln (NM_000267.4); short protein forms H1579Q, H1558Q.
Identifiers: ClinVar variation 4015125 (VCV004015125.1).

ClinVar aggregate classification (germline): Uncertain significance (1 of 4 stars; one submission).

Conditions:
Cardiovascular phenotype. Identifiers: MedGen CN230736.
Hereditary cancer-predisposing syndrome. Also called: Tumor predisposition; Hereditary neoplastic syndrome; Neoplastic Syndromes, Hereditary; Hereditary Cancer Syndrome. Identifiers: Orphanet 140162, MedGen C0027672, MeSH D009386, MONDO:0015356.

Submission:

Ambry Genetics
Classification: Uncertain significance for Cardiovascular phenotype; Hereditary cancer-predisposing syndrome. Last evaluated: 2025-03-22. Review status: criteria provided, single submitter. Criteria: Ambry Variant Classification Scheme 2023. Collection method: clinical testing. Allele origin: germline.
Comment: The p.H1558Q variant (also known as c.4674T>A), located in coding exon 35 of the NF1 gene, results from a T to A substitution at nucleotide position 4674. The histidine at codon 1558 is replaced by glutamine, an amino acid with highly similar properties. This amino acid position is conserved. In addition, this alteration is predicted to be tolerated by in silico analysis. Based on the available evidence, the clinical significance of this variant remains unclear.